The following is an entry in ClinVar:

NM_006785.4(MALT1):c.2333A>G (p.His778Arg)

Gene: MALT1 (MALT1 paracaspase; plus strand). Cytogenetic location: 18q21.32.
Variant type: single nucleotide variant.
Coding change: c.2333A>G on transcript NM_006785.4 (MANE Select); coding-DNA position 2333, A replaced by G.
Protein change: p.His778Arg; replaces histidine 778 with arginine.
Molecular consequence: missense variant.
Genome position (GRCh38, 1-based): chr18:58,747,700, A>G. VCF-style: chr18-58747700-A-G. GRCh37 (hg19) VCF-style: chr18-56414932-A-G.
Other names: c.2300A>G, p.His767Arg (NM_173844.3); c.2333A>G (NM_006785.2); short protein forms H767R, H778R.
Identifiers: ClinVar variation 1437910 (VCV001437910.4), dbSNP rs541518120, ClinGen allele CA8978091.
Genomic context (GRCh38, chr18:58,747,700, plus strand): 5'-ATGGTGTTTACCATTCACATCCTGGTAATCCAAGTAATGTTACACCAGCAGATAGCTGTC[A>G]TTGCAGCCGGACTCCAGATGCATTTATTTCAAGTTTCGCTCACCATGCTTCATGTCATTT-3'
Protein context (NP_006776.1, residues 768-788): PSNVTPADSC[His778Arg]CSRTPDAFIS

ClinVar aggregate classification (germline): Conflicting classifications of pathogenicity. Review status: criteria provided, conflicting classifications (1 of 4 stars). 2 submissions from 2 submitters: Uncertain significance (1); Likely benign (1). Last evaluated 2023-03-22.

Conditions:
Inborn genetic diseases. Identifiers: MedGen C0950123, MeSH D030342.
Combined immunodeficiency due to MALT1 deficiency. Also called: Immunodeficiency 12. Identifiers: Orphanet 397964, MedGen C3809583, MONDO:0014197, OMIM 615468.

Allele frequency attached by ClinVar (database versions not stated): gnomAD 0.00001 and 0.00002; gnomAD exomes 0.00001 and 0.00010; TOPMed 0.00002; ExAC 0.00006; 1000 Genomes Project 30x 0.00016; 1000 Genomes Project 0.00020.
gnomAD v4.1: 27 of 1,614,192 alleles (0.0017%); highest among the groups gnomAD compares: East Asian, 0.053%; no homozygotes.

Submissions (2):

Ambry Genetics
Classification: Likely benign for Inborn genetic diseases. Last evaluated: 2023-03-22. Review status: criteria provided, single submitter. Criteria: Ambry Variant Classification Scheme 2023. Collection method: clinical testing. Allele origin: germline.

Labcorp Genetics (formerly Invitae), Labcorp
Classification: Uncertain significance for Combined immunodeficiency due to MALT1 deficiency. Last evaluated: 2022-04-02. Review status: criteria provided, single submitter. Criteria: Invitae Variant Classification Sherloc (09022015). Collection method: clinical testing. Allele origin: germline.
Comment: This sequence change replaces histidine, which is basic and polar, with arginine, which is basic and polar, at codon 778 of the MALT1 protein (p.His778Arg). The frequency data for this variant in the population databases is considered unreliable, as metrics indicate poor data quality at this position in the gnomAD database. This variant has not been reported in the literature in individuals affected with MALT1-related conditions. Algorithms developed to predict the effect of missense changes on protein structure and function output the following: SIFT: "Tolerated"; PolyPhen-2: "Benign"; Align-GVGD: "Class C0". The arginine amino acid residue is found in multiple mammalian species, which suggests that this missense change does not adversely affect protein function. In summary, the available evidence is currently insufficient to determine the role of this variant in disease. Therefore, it has been classified as a Variant of Uncertain Significance.